The following is an entry in ClinVar:

ClinVar aggregate classification (germline): Benign. Review status: criteria provided, single submitter (1 of 4 stars). 2 submissions from 2 submitters: Benign (1). 1 of the submissions does not count toward it. Last evaluated 2026-01-21.

Conditions:
CYFIP2-related disorder. Also called: CYFIP2-related condition.

Allele frequency attached by ClinVar (database versions not stated): gnomAD exomes 0.00050 and 0.00144; ExAC 0.00174; gnomAD 0.00536 and 0.00572; ESP Exome Variant Server 0.00613; TOPMed 0.00616; 1000 Genomes Project 0.00739; 1000 Genomes Project 30x 0.00906.
gnomAD v4.1: 1,584 of 1,614,002 alleles (0.098%); highest among the groups gnomAD compares: African/African-American, 1.9%; 15 homozygotes.

Submissions (2):

Labcorp Genetics (formerly Invitae), Labcorp
Classification: Benign. Last evaluated: 2026-01-21. Review status: criteria provided, single submitter. Criteria: Invitae Variant Classification Sherloc (09022015). Collection method: clinical testing. Allele origin: germline.

PreventionGenetics, part of Exact Sciences
Classification: Benign for CYFIP2-related condition. Last evaluated: 2019-04-17. Review status: no assertion criteria provided. Collection method: clinical testing. Allele origin: germline. Not counted in ClinVar's aggregate classification.
Comment: This variant is classified as benign based on ACMG/AMP sequence variant interpretation guidelines (Richards et al. 2015 PMID: 25741868, with internal and published modifications).

NM_001037333.3(CYFIP2):c.2241A>G (p.Thr747=)

Gene: CYFIP2 (cytoplasmic FMR1 interacting protein 2; plus strand). Cytogenetic location: 5q33.3.
Variant type: single nucleotide variant.
Coding change: c.2241A>G on transcript NM_001037333.3 (MANE Select); coding-DNA position 2241, A replaced by G.
Protein change: p.Thr747=; no amino-acid change (threonine 747 retained).
Molecular consequence: synonymous variant.
Genome position (GRCh38, 1-based): chr5:157,330,826, A>G. VCF-style: chr5-157330826-A-G. GRCh37 (hg19) VCF-style: chr5-156757834-A-G.
Other names: c.2163A>G, p.Thr721= (NM_001291721.2); c.2316A>G, p.Thr772= (NM_001291722.2); c.2241A>G, p.Thr747= (NM_014376.4); c.2316A>G (NM_001291722.1).
Identifiers: ClinVar variation 1169282 (VCV001169282.11), dbSNP rs116817896, ClinGen allele CA3533801.